The following is an entry in ClinVar:

ClinVar aggregate classification (germline): Pathogenic/Likely pathogenic. Review status: criteria provided, multiple submitters, no conflicts (2 of 4 stars). 3 submissions from 3 submitters: Pathogenic (1); Likely pathogenic (2). Last evaluated 2024-03-20.

Conditions:
Peroxisome biogenesis disorder 9B. Also called: PEX7-Related Refsum Disease; PEROXISOME BIOGENESIS DISORDER, PEX7-RELATED, ATYPICAL; Refsum disease, adult, 2. Identifiers: Orphanet 773, MedGen C2749346, MONDO:0013945, OMIM 614879.

gnomAD v4.1: 2 of 1,613,972 alleles (0.00012%); highest among the groups gnomAD compares: South Asian, 0.0011%; no homozygotes.

Submissions (3):

Genetic Services Laboratory, University of Chicago
Classification: Likely pathogenic. Last evaluated: 2024-03-20. Review status: criteria provided, single submitter. Criteria: ACMG Guidelines, 2015. Collection method: clinical testing. Allele origin: germline. Affected: yes.
Comment: DNA sequence analysis of the PEX7 gene demonstrated a sequence change, c.549G>A, which results in the creation of a premature stop codon at amino acid position 183, p.Trp183*. This likely pathogenic sequence change is predicted to result in an abnormal transcript, which may be degraded, or may lead to the production of a truncated PEX7 protein with potentially abnormal function. This sequence change has been described in the gnomAD database with a frequency of 0.0001% in the overall population (dbSNP rs753283873). This sequence change has previously been described in an individual with Refsum disease (PMID: 31964843). Loss-of-function variants in the PEX7 gene are known to be pathogenic (PMID: 12325024, 12522768, 20301447). Collectively, this evidence indicates that this sequence change is likely pathogenic, however functional studies have not been performed to prove this conclusively.

Baylor Genetics
Classification: Likely pathogenic for Peroxisome biogenesis disorder 9B. Last evaluated: 2023-08-20. Review status: criteria provided, single submitter. Criteria: ACMG Guidelines, 2015. Collection method: clinical testing. Allele origin: unknown.

Labcorp Genetics (formerly Invitae), Labcorp
Classification: Pathogenic for Peroxisome biogenesis disorder 9B. Last evaluated: 2023-03-16. Review status: criteria provided, single submitter. Criteria: Invitae Variant Classification Sherloc (09022015). Collection method: clinical testing. Allele origin: germline.
Comment: This sequence change creates a premature translational stop signal (p.Trp183*) in the PEX7 gene. It is expected to result in an absent or disrupted protein product. Loss-of-function variants in PEX7 are known to be pathogenic (PMID: 12325024, 12522768, 20301447). For these reasons, this variant has been classified as Pathogenic. This variant has not been reported in the literature in individuals affected with PEX7-related conditions. This variant is present in population databases (no rsID available, gnomAD 0.0009%).

Literature cited by the submitters: PubMed 12325024 (cited by Labcorp Genetics (formerly Invitae), Labcorp); PubMed 12522768 (cited by Labcorp Genetics (formerly Invitae), Labcorp); PubMed 20301447 (cited by Labcorp Genetics (formerly Invitae), Labcorp).

NM_000288.4(PEX7):c.549G>A (p.Trp183Ter)

Gene: PEX7 (peroxisomal biogenesis factor 7; plus strand). Cytogenetic location: 6q23.3.
Variant type: single nucleotide variant.
Coding change: c.549G>A on transcript NM_000288.4 (MANE Select); coding-DNA position 549, G replaced by A.
Protein change: p.Trp183Ter; replaces tryptophan 183 with a stop codon.
Molecular consequence: nonsense.
Genome position (GRCh38, 1-based): chr6:136,866,649, G>A. VCF-style: chr6-136866649-G-A. GRCh37 (hg19) VCF-style: chr6-137187787-G-A.
Other names: c.435G>A, p.Trp145Ter (NM_001410945.1); short protein forms W145*, W183*.
Identifiers: ClinVar variation 2677725 (VCV002677725.6), dbSNP rs753283873, ClinGen allele CA365762844.
Genomic context (GRCh38, chr6:136,866,649, plus strand): 5'-GGTGTGATGGGAAATGATCAAGTCTTCCTTTTTACTAGGTGATCAGACTCTGAGAATATG[G>A]GATGTGAAGGCAGCAGGAGTAAGAATCGTGATTCCTGCACATCAGGCAGAAATCTTGAGT-3'